The following is an entry in ClinVar:

NM_001378454.1(ALMS1):c.9761C>G (p.Thr3254Ser)

Gene: ALMS1 (ALMS1 centrosome and basal body associated protein; plus strand). Cytogenetic location: 2p13.1.
Variant type: single nucleotide variant.
Coding change: c.9761C>G on transcript NM_001378454.1 (MANE Select); coding-DNA position 9761, C replaced by G.
Protein change: p.Thr3254Ser; replaces threonine 3254 with serine.
Molecular consequence: missense variant.
Genome position (GRCh38, 1-based): chr2:73,519,996, C>G. VCF-style: chr2-73519996-C-G. GRCh37 (hg19) VCF-style: chr2-73747123-C-G.
Other names: c.9764C>G, p.Thr3255Ser (NM_015120.4); short protein forms T3254S, T3255S.
Identifiers: ClinVar variation 3051690 (VCV003051690.1), dbSNP rs2466304065, ClinGen allele CA347281417.
Genomic context (GRCh38, chr2:73,519,996, plus strand): 5'-ACCAGAAGCTACGCAAAGCTCCTGTCAAGTTTGCCTCATCATCTTCAGTCCAACAGGTTA[C>G]TTTTTCTCGCGGCACAGATGGTAAGAGAATGTGATTGCATTTTAGATTGTTAGACCAGCT-3'
Protein context (NP_001365383.1, residues 3244-3264): FASSSSVQQV[Thr3254Ser]FSRGTDGQPL

ClinVar aggregate classification (germline): Likely benign (1 of 4 stars; one submission).

Conditions:
ALMS1-related disorder. Also called: ALMS1-related condition.

Submission:

PreventionGenetics, part of Exact Sciences
Classification: Likely benign for ALMS1-related condition. Last evaluated: 2022-09-27. Review status: criteria provided, single submitter. Criteria: ACMG Guidelines, 2015. Collection method: clinical testing. Allele origin: germline.
Comment: This variant is classified as likely benign based on ACMG/AMP sequence variant interpretation guidelines (Richards et al. 2015 PMID: 25741868, with internal and published modifications).